The following is an entry in ClinVar:

ClinVar aggregate classification (germline): Likely benign (0 of 4 stars; one submission).

Conditions:
KMT2D-related disorder. Also called: KMT2D-Related Disorders.

gnomAD v4.1: 1 of 1,613,960 alleles (0.000062%); highest among the groups gnomAD compares: Non-Finnish European, 0.000085%; no homozygotes.

Submission:

PreventionGenetics, part of Exact Sciences
Classification: Likely benign for KMT2D-related condition. Last evaluated: 2024-09-20. Review status: no assertion criteria provided. Collection method: clinical testing. Allele origin: germline.
Comment: This variant is classified as likely benign based on ACMG/AMP sequence variant interpretation guidelines (Richards et al. 2015 PMID: 25741868, with internal and published modifications).

NM_003482.4(KMT2D):c.3723G>A (p.Glu1241=)

Genes: KMT2D (lysine methyltransferase 2D; minus strand), LOC126861520 (CDK7 strongly-dependent group 2 enhancer GRCh37_chr12:49442744-49443943; plus strand). Cytogenetic location: 12q13.12.
Variant type: single nucleotide variant.
Coding change: c.3723G>A on transcript NM_003482.4 (MANE Select); coding-DNA position 3723, G replaced by A.
Protein change: p.Glu1241=; no amino-acid change (glutamic acid 1241 retained).
Molecular consequence: synonymous variant.
Genome position (GRCh38, 1-based): chr12:49,049,865, C>T on the plus strand (G>A on the coding strand, the complement: KMT2D is on the minus strand). VCF-style: chr12-49049865-C-T. GRCh37 (hg19) VCF-style: chr12-49443648-C-T.
Identifiers: ClinVar variation 3347592 (VCV003347592.1).